The following is an entry in ClinVar:

NM_003801.4(GPAA1):c.1165G>C (p.Ala389Pro)

Gene: GPAA1 (glycosylphosphatidylinositol anchor attachment 1; plus strand). Cytogenetic location: 8q24.3.
Variant type: single nucleotide variant.
Coding change: c.1165G>C on transcript NM_003801.4 (MANE Select); coding-DNA position 1165, G replaced by C.
Protein change: p.Ala389Pro; replaces alanine 389 with proline.
Molecular consequence: missense variant.
Genome position (GRCh38, 1-based): chr8:144,085,043, G>C. VCF-style: chr8-144085043-G-C. GRCh37 (hg19) VCF-style: chr8-145139946-G-C.
Other names: short protein forms A389P.
Identifiers: ClinVar variation 453250 (VCV000453250.2), dbSNP rs782768127, ClinGen allele CA372502014.

ClinVar aggregate classification (germline): Likely pathogenic. Review status: criteria provided, single submitter (1 of 4 stars). 2 submissions from 2 submitters: Likely pathogenic (1). 1 of the submissions does not count toward it. Last evaluated 2018-10-15.

Conditions:
Glycosylphosphatidylinositol biosynthesis defect 15. Also called: DEVELOPMENTAL DELAY, EPILEPSY, CEREBELLAR ATROPHY, AND OSTEOPENIA. Identifiers: Orphanet 529665, MedGen C4540520, MONDO:0060627, OMIM 617810.

Submissions (2):

SIB Swiss Institute of Bioinformatics
Classification: Likely pathogenic for Glycosylphosphatidylinositol biosynthesis defect 15. Last evaluated: 2018-10-15. Review status: criteria provided, single submitter. Criteria: ACMG Guidelines, 2015. Collection method: curation. Allele origin: germline.
Comment: This variant is interpreted as Likely Pathogenic, for Glycosylphosphatidylinositol biosynthesis defect 15, autosomal recessive. The following ACMG Tag(s) were applied: PM2 => Absent from controls (or at extremely low frequency if recessive) in Exome Sequencing Project, 1000 Genomes Project, or Exome Aggregation Consortium. PP3 => Multiple lines of computational evidence support a deleterious effect on the gene or gene product. PS3-Moderate => PS3 downgraded in strength to Moderate (PubMed 29100095). PP1 => Cosegregation with disease in multiple affected family members in a gene definitively known to cause the disease (PubMed 29100095).

OMIM
Classification: Pathogenic for GLYCOSYLPHOSPHATIDYLINOSITOL BIOSYNTHESIS DEFECT 15. Last evaluated: 2017-12-18. Review status: no assertion criteria provided. Collection method: literature only. Allele origin: germline. Not counted in ClinVar's aggregate classification.

Literature cited by the submitters: PubMed 29100095 (cited by SIB Swiss Institute of Bioinformatics and OMIM).